The following is an entry in ClinVar:

NM_004371.4(COPA):c.2476G>A (p.Gly826Arg)

Gene: COPA (coat protein complex I subunit alpha; minus strand). Cytogenetic location: 1q23.2.
Variant type: single nucleotide variant.
Coding change: c.2476G>A on transcript NM_004371.4 (MANE Select); coding-DNA position 2476, G replaced by A.
Protein change: p.Gly826Arg; replaces glycine 826 with arginine.
Molecular consequence: missense variant.
Genome position (GRCh38, 1-based): chr1:160,295,736, C>T on the plus strand (G>A on the coding strand, the complement: COPA is on the minus strand). VCF-style: chr1-160295736-C-T. GRCh37 (hg19) VCF-style: chr1-160265526-C-T.
Other names: c.2503G>A, p.Gly835Arg (NM_001098398.2); short protein forms G835R, G826R.
Identifiers: ClinVar variation 4720641 (VCV004720641.1).
Genomic context (GRCh38, chr1:160,295,736, plus strand): 5'-TCTAGGACAGTTCTTCACAAAACAAACAACAAAAGTGCTATGGGAGAAATAGGTACTTAC[C>T]TTTGCTGGCAATGGTGCCTTCAAAAAATCCTTTGGATACAGTCAATAAAGGCCAATTGGT-3'
Protein context (NP_004362.2, residues 816-836): GFFEGTIASK[Gly826Arg]KGGALAADID

ClinVar aggregate classification (germline): Uncertain significance (1 of 4 stars; one submission).

Conditions:
Autoimmune interstitial lung disease-arthritis syndrome. Also called: Autoinflammation and autoimmunity, systemic, with immune dysregulation. Identifiers: Orphanet 444092, MedGen C5975714, MONDO:0014629.

Submission:

Labcorp Genetics (formerly Invitae), Labcorp
Classification: Uncertain significance for Autoimmune interstitial lung disease-arthritis syndrome. Last evaluated: 2025-09-10. Review status: criteria provided, single submitter. Criteria: Invitae Variant Classification Sherloc (09022015). Collection method: clinical testing. Allele origin: germline.
Comment: This sequence change replaces glycine, which is neutral and non-polar, with arginine, which is basic and polar, at codon 826 of the COPA protein (p.Gly826Arg). This variant also falls at the last nucleotide of exon 23, which is part of the consensus splice site for this exon. This variant is present in population databases (no rsID available, gnomAD 0.0009%). This variant has not been reported in the literature in individuals affected with COPA-related conditions. An algorithm developed to predict the effect of missense changes on protein structure and function (PolyPhen-2) suggests that this variant is likely to be tolerated. Variants that disrupt the consensus splice site are a relatively common cause of aberrant splicing (PMID: 17576681, 9536098). In summary, the available evidence is currently insufficient to determine the role of this variant in disease. Therefore, it has been classified as a Variant of Uncertain Significance.

Literature cited by the submitters: PubMed 17576681; PubMed 9536098.